The following is an entry in ClinVar:

ClinVar aggregate classification (germline): Likely benign. Review status: criteria provided, multiple submitters, no conflicts (2 of 4 stars). 2 submissions from 2 submitters: Likely benign (2). Last evaluated 2016-07-21.

Allele frequency attached by ClinVar (database versions not stated): gnomAD exomes 0.00001; ExAC 0.00002; gnomAD 0.00003 and 0.00004; TOPMed 0.00003; ESP Exome Variant Server 0.00008.

Submissions (2):

Laboratory for Molecular Medicine, Mass General Brigham Personalized Medicine
Classification: Likely benign. Last evaluated: 2016-07-21. Review status: criteria provided, single submitter. Criteria: LMM Criteria. Collection method: clinical testing. Allele origin: germline. Observed: 1 variant allele.
Comment: p.Pro662Pro in Exon 3 of TPRN: This variant is not expected to have clinical sig nificance because it does not alter an amino acid residue, is not located within the splice consensus sequence. It has been identified in 1/9646 of African chro mosomes and 1/63686 of European chromosomes by the Exome Aggregation Consortium (ExAC; dbSNP rs373509671).

Breakthrough Genomics
Classification: Likely benign. Review status: criteria provided, single submitter. Criteria: ACMG Guidelines, 2015. Collection method: not provided. Allele origin: germline. Inheritance: Autosomal recessive inheritance. Affected: yes.

NM_001128228.3(TPRN):c.1986G>A (p.Pro662=)

Gene: TPRN (taperin; minus strand). Cytogenetic location: 9q34.3.
Variant type: single nucleotide variant.
Coding change: c.1986G>A on transcript NM_001128228.3 (MANE Select); coding-DNA position 1986, G replaced by A.
Protein change: p.Pro662=; no amino-acid change (proline 662 retained).
Molecular consequence: synonymous variant.
Genome position (GRCh38, 1-based): chr9:137,192,346, C>T on the plus strand (G>A on the coding strand, the complement: TPRN is on the minus strand). VCF-style: chr9-137192346-C-T. GRCh37 (hg19) VCF-style: chr9-140086798-C-T.
Identifiers: ClinVar variation 504685 (VCV000504685.6), dbSNP rs373509671, ClinGen allele CA5362557.